The following is an entry in ClinVar:

NM_177924.5(ASAH1):c.154A>G (p.Ile52Val)

Gene: ASAH1 (N-acylsphingosine amidohydrolase 1; minus strand). Cytogenetic location: 8p22.
Variant type: single nucleotide variant.
Coding change: c.154A>G on transcript NM_177924.5 (MANE Select); coding-DNA position 154, A replaced by G.
Protein change: p.Ile52Val; replaces isoleucine 52 with valine.
Molecular consequence: missense variant. On other transcripts: 5 prime UTR variant (1).
Genome position (GRCh38, 1-based): chr8:18,071,362, T>C on the plus strand (A>G on the coding strand, the complement: ASAH1 is on the minus strand). VCF-style: chr8-18071362-T-C. GRCh37 (hg19) VCF-style: chr8-17928871-T-C.
Other names: c.223A>G, p.Ile75Val (NM_001127505.3); c.-42A>G (NM_001363743.2); c.202A>G, p.Ile68Val (NM_004315.6); short protein forms I52V, I68V, I75V.
Identifiers: ClinVar variation 2415716 (VCV002415716.3), dbSNP rs376845682, ClinGen allele CA4650998.

ClinVar aggregate classification (germline): Uncertain significance (1 of 4 stars; one submission).

Allele frequency attached by ClinVar (database versions not stated): TOPMed 0.00001; ExAC 0.00002; ESP Exome Variant Server 0.00008.
gnomAD v4.1: 1 of 1,600,920 alleles (0.000062%); highest among the groups gnomAD compares: Non-Finnish European, 0.000085%; no homozygotes.

Submission:

Labcorp Genetics (formerly Invitae), Labcorp
Classification: Uncertain significance. Last evaluated: 2022-05-07. Review status: criteria provided, single submitter. Criteria: Invitae Variant Classification Sherloc (09022015). Collection method: clinical testing. Allele origin: germline.
Comment: This sequence change replaces isoleucine, which is neutral and non-polar, with valine, which is neutral and non-polar, at codon 52 of the ASAH1 protein (p.Ile52Val). The frequency data for this variant in the population databases is considered unreliable, as metrics indicate poor data quality at this position in the gnomAD database. This variant has not been reported in the literature in individuals affected with ASAH1-related conditions. Algorithms developed to predict the effect of missense changes on protein structure and function (SIFT, PolyPhen-2, Align-GVGD) all suggest that this variant is likely to be tolerated. In summary, the available evidence is currently insufficient to determine the role of this variant in disease. Therefore, it has been classified as a Variant of Uncertain Significance.